The following is an entry in ClinVar:

NM_032444.4(SLX4):c.1994A>G (p.Asp665Gly)

Gene: SLX4 (SLX4 structure-specific endonuclease subunit; minus strand). Cytogenetic location: 16p13.3.
Variant type: single nucleotide variant.
Coding change: c.1994A>G on transcript NM_032444.4 (MANE Select); coding-DNA position 1994, A replaced by G.
Protein change: p.Asp665Gly; replaces aspartic acid 665 with glycine.
Molecular consequence: missense variant.
Genome position (GRCh38, 1-based): chr16:3,595,624, T>C on the plus strand (A>G on the coding strand, the complement: SLX4 is on the minus strand). VCF-style: chr16-3595624-T-C. GRCh37 (hg19) VCF-style: chr16-3645625-T-C.
Other names: short protein forms D665G.
Identifiers: ClinVar variation 938577 (VCV000938577.5), dbSNP rs748574820, ClinGen allele CA7866341.

ClinVar aggregate classification (germline): Uncertain significance. Review status: criteria provided, multiple submitters, no conflicts (2 of 4 stars). 2 submissions from 2 submitters: Uncertain significance (2). Last evaluated 2022-08-02.

Conditions:
Inborn genetic diseases. Identifiers: MedGen C0950123, MeSH D030342.
Fanconi anemia (FA). Also called: Fanconi's anemia. Identifiers: Orphanet 84, MedGen C0015625, MeSH D005199, MONDO:0019391.

Allele frequency attached by ClinVar (database versions not stated): ExAC 0.00001; gnomAD exomes 0.00001; TOPMed 0.00001; gnomAD 0.00002.
gnomAD v4.1: 20 of 1,613,802 alleles (0.0012%); highest among the groups gnomAD compares: Non-Finnish European, 0.0014%; no homozygotes.

Submissions (2):

Labcorp Genetics (formerly Invitae), Labcorp
Classification: Uncertain significance for Fanconi anemia. Last evaluated: 2022-08-02. Review status: criteria provided, single submitter. Criteria: Invitae Variant Classification Sherloc (09022015). Collection method: clinical testing. Allele origin: germline.
Comment: This sequence change replaces aspartic acid, which is acidic and polar, with glycine, which is neutral and non-polar, at codon 665 of the SLX4 protein (p.Asp665Gly). This variant is present in population databases (rs748574820, gnomAD 0.01%). This variant has not been reported in the literature in individuals affected with SLX4-related conditions. ClinVar contains an entry for this variant (Variation ID: 938577). Algorithms developed to predict the effect of missense changes on protein structure and function (SIFT, PolyPhen-2, Align-GVGD) all suggest that this variant is likely to be tolerated. In summary, the available evidence is currently insufficient to determine the role of this variant in disease. Therefore, it has been classified as a Variant of Uncertain Significance.

Ambry Genetics
Classification: Uncertain significance for Inborn genetic diseases. Last evaluated: 2022-05-27. Review status: criteria provided, single submitter. Criteria: Ambry Variant Classification Scheme 2023. Collection method: clinical testing. Allele origin: germline.